The following is an entry in ClinVar:

ClinVar aggregate classification (germline): Uncertain significance (1 of 4 stars; one submission).

Conditions:
Hereditary pancreatitis (PCTT). Also called: Hereditary chronic pancreatitis; PRSS1-Related Hereditary Pancreatitis. Identifiers: Orphanet 676, MedGen C0238339, MONDO:0008185, OMIM 167800.

Submission:

Ambry Genetics
Classification: Uncertain significance for Hereditary pancreatitis. Last evaluated: 2025-11-11. Review status: criteria provided, single submitter. Criteria: Ambry Variant Classification Scheme 2023. Collection method: clinical testing. Allele origin: germline.
Comment: The p.A169S variant (also known as c.505G>T), located in coding exon 4 of the PRSS1 gene, results from a G to T substitution at nucleotide position 505. The alanine at codon 169 is replaced by serine, an amino acid with similar properties. This amino acid position is conserved. In addition, this alteration is predicted to be tolerated by in silico analysis. Based on the available evidence, the clinical significance of this variant remains unclear.

NM_002769.5(PRSS1):c.505G>T (p.Ala169Ser)

Genes: TRB (T cell receptor beta locus; plus strand), PRSS1 (serine protease 1; plus strand). Cytogenetic location: 7q34.
Variant type: single nucleotide variant.
Coding change: c.505G>T on transcript NM_002769.5 (MANE Select); coding-DNA position 505, G replaced by T.
Protein change: p.Ala169Ser; replaces alanine 169 with serine.
Molecular consequence: missense variant. On other transcripts: non-coding transcript variant (5).
Genome position (GRCh38, 1-based): chr7:142,752,481, G>T. VCF-style: chr7-142752481-G-T. GRCh37 (hg19) VCF-style: chr7-142460332-G-T.
Other names: short protein forms A169S.
Identifiers: ClinVar variation 4560686 (VCV004560686.1).